The following is an entry in ClinVar:

ClinVar aggregate classification (germline): Uncertain significance. Review status: criteria provided, single submitter (1 of 4 stars). 3 submissions from 3 submitters: Uncertain significance (1). 2 of the submissions do not count toward it. Last evaluated 2023-09-15.

Conditions:
Aortic aneurysm, familial thoracic 7 (AAT7). Also called: AORTIC DISSECTION, FAMILIAL, WITH OR WITHOUT AORTIC ANEURYSM. Identifiers: MedGen C3151077, MONDO:0013418, OMIM 613780.

Allele frequency attached by ClinVar (database versions not stated): gnomAD 0.00001; gnomAD exomes 0.00001 and 0.00003; TOPMed 0.00001; ExAC 0.00002.

Submissions (3):

Labcorp Genetics (formerly Invitae), Labcorp
Classification: Uncertain significance for Aortic aneurysm, familial thoracic 7. Last evaluated: 2023-09-15. Review status: criteria provided, single submitter. Criteria: Invitae Variant Classification Sherloc (09022015). Collection method: clinical testing. Allele origin: germline.
Comment: This variant has not been reported in the literature in individuals affected with MYLK-related conditions. This variant is present in population databases (rs748806035, gnomAD 0.007%). This sequence change creates a premature translational stop signal (p.Thr165Profs*72) in the MYLK gene. This variant occurs in the long isoform of MYLK (PMID: 21055718). The current clinical and genetic evidence is not sufficient to establish whether loss-of-function variants in the long isoform of MYLK cause disease. ClinVar contains an entry for this variant (Variation ID: 1175099). In summary, the available evidence is currently insufficient to determine the role of this variant in disease. Therefore, it has been classified as a Variant of Uncertain Significance.

Clinical Genetics DNA and cytogenetics Diagnostics Lab, Erasmus MC, Erasmus Medical Center
Classification: Uncertain significance. Review status: no assertion criteria provided. Collection method: clinical testing. Allele origin: germline. Affected: yes. Study: VKGL Data-share Consensus. Not counted in ClinVar's aggregate classification.

Diagnostic Laboratory, Department of Genetics, University Medical Center Groningen
Classification: Uncertain significance. Review status: no assertion criteria provided. Collection method: clinical testing. Allele origin: germline. Affected: yes. Study: VKGL Data-share Consensus. Not counted in ClinVar's aggregate classification.

Literature cited by the submitters: PubMed 21055718 (cited by Labcorp Genetics (formerly Invitae), Labcorp).

NM_053025.4(MYLK):c.493del (p.Thr165fs)

Gene: MYLK (myosin light chain kinase; minus strand). Cytogenetic location: 3q21.1.
Variant type: Deletion.
Coding change: c.493del on transcript NM_053025.4 (MANE Select); coding-DNA position 493, one base deleted (A; older notation c.493delA).
Protein change: p.Thr165fs; shifts the reading frame from threonine 165.
Molecular consequence: frameshift variant. On other transcripts: 5 prime UTR variant (1).
Genome position (GRCh38, 1-based): chr3:123,738,992, T deleted on the plus strand (A on the coding strand, the reverse complement: MYLK is on the minus strand). VCF-style (leftmost placement, unchanged base first): chr3-123738991-GT-G. GRCh37 (hg19) VCF-style: chr3-123457838-GT-G.
Other names: c.-36del (NM_001321309.2); c.493del, p.Thr165fs (NM_053026.4, NM_053027.4, NM_053028.4); short protein forms T165fs.
Identifiers: ClinVar variation 1175099 (VCV001175099.7), dbSNP rs748806035, ClinGen allele CA072594.